The following is an entry in ClinVar:

ClinVar aggregate classification (germline): Uncertain significance (1 of 4 stars; one submission).

Allele frequency attached by ClinVar (database versions not stated): gnomAD 0.00001; gnomAD exomes 0.00001; TOPMed 0.00001.
gnomAD v4.1: 6 of 1,613,924 alleles (0.00037%); highest among the groups gnomAD compares: Non-Finnish European, 0.00051%; no homozygotes.

Submission:

Labcorp Genetics (formerly Invitae), Labcorp
Classification: Uncertain significance. Last evaluated: 2021-09-29. Review status: criteria provided, single submitter. Criteria: Invitae Variant Classification Sherloc (09022015). Collection method: clinical testing. Allele origin: germline.
Comment: In summary, the available evidence is currently insufficient to determine the role of this variant in disease. Therefore, it has been classified as a Variant of Uncertain Significance. Variants that disrupt the consensus splice site are a relatively common cause of aberrant splicing (PMID: 17576681, 9536098). Algorithms developed to predict the effect of sequence changes on RNA splicing suggest that this variant may disrupt the consensus splice site. This variant has not been reported in the literature in individuals affected with DEAF1-related conditions. This variant is not present in population databases (ExAC no frequency). This sequence change falls in intron 9 of the DEAF1 gene. It does not directly change the encoded amino acid sequence of the DEAF1 protein. It affects a nucleotide within the consensus splice site of the intron.

Literature cited by the submitters: PubMed 17576681; PubMed 9536098.

NM_021008.4(DEAF1):c.1255+3A>G

Gene: DEAF1 (DEAF1 transcription factor; minus strand). Cytogenetic location: 11p15.5.
Variant type: single nucleotide variant.
Coding change: c.1255+3A>G on transcript NM_021008.4 (MANE Select); 3 bases into the intron after coding-DNA position 1255, A replaced by G.
Molecular consequence: intron variant.
Genome position (GRCh38, 1-based): chr11:678,691, T>C on the plus strand (A>G on the coding strand, the complement: DEAF1 is on the minus strand). VCF-style: chr11-678691-T-C. GRCh37 (hg19) VCF-style: chr11-678691-T-C.
Other names: c.529+3A>G (NM_001367390.1, NM_001440885.1, NM_001440887.1 and 1 more transcripts); c.988+3A>G (NM_001293634.2); c.1126+997A>G (NM_001440884.1); c.1255+3A>G (NM_001440883.1).
Identifiers: ClinVar variation 1420791 (VCV001420791.6), dbSNP rs1424970214, ClinGen allele CA679500420.
Genomic context (GRCh38, chr11:678,691, plus strand): 5'-TCTTTCATTGGAAGCAATTCTGAGGACAATAACCTGTACATGTGTGAATTCTTTCAAACC[T>C]ACCTATTTTGGGATGTGACGTTGGCAACGCAGCTTCTGGAAACGGTGCGATCTGGCAGCT-3'